The following is an entry in ClinVar:

ClinVar aggregate classification (germline): Conflicting classifications of pathogenicity. Review status: criteria provided, conflicting classifications (1 of 4 stars). 3 submissions from 3 submitters: Uncertain significance (2); Likely benign (1). Last evaluated 2025-06-25.

Conditions:
Inborn genetic diseases. Identifiers: MedGen C0950123, MeSH D030342.
Hereditary spastic paraplegia 48. Also called: SPASTIC PARAPLEGIA 48, AUTOSOMAL RECESSIVE; Spastic paraplegia 48. Identifiers: Orphanet 306511, MedGen C3150901, MONDO:0013342, OMIM 613647.

Allele frequency attached by ClinVar (database versions not stated): TOPMed 0.00006; ESP Exome Variant Server 0.00008; gnomAD 0.00011 and 0.00021; gnomAD exomes 0.00018; ExAC 0.00019; 1000 Genomes Project 30x 0.00094; 1000 Genomes Project 0.00100.
gnomAD v4.1: 112 of 1,611,890 alleles (0.0069%); highest among the groups gnomAD compares: East Asian, 0.094%; 3 homozygotes.

Submissions (3):

Ambry Genetics
Classification: Likely benign for Inborn genetic diseases. Last evaluated: 2025-06-25. Review status: criteria provided, single submitter. Criteria: Ambry Variant Classification Scheme 2023. Collection method: clinical testing. Allele origin: germline.

Labcorp Genetics (formerly Invitae), Labcorp
Classification: Uncertain significance for Hereditary spastic paraplegia 48. Last evaluated: 2024-12-31. Review status: criteria provided, single submitter. Criteria: Invitae Variant Classification Sherloc (09022015). Collection method: clinical testing. Allele origin: germline.
Comment: This sequence change replaces leucine, which is neutral and non-polar, with valine, which is neutral and non-polar, at codon 335 of the AP5Z1 protein (p.Leu335Val). This variant is present in population databases (rs199930373, gnomAD 0.2%). This variant has not been reported in the literature in individuals affected with AP5Z1-related conditions. ClinVar contains an entry for this variant (Variation ID: 240931). Invitae Evidence Modeling of protein sequence and biophysical properties (such as structural, functional, and spatial information, amino acid conservation, physicochemical variation, residue mobility, and thermodynamic stability) indicates that this missense variant is not expected to disrupt AP5Z1 protein function with a negative predictive value of 80%. In summary, the available evidence is currently insufficient to determine the role of this variant in disease. Therefore, it has been classified as a Variant of Uncertain Significance.

Athena Diagnostics
Classification: Uncertain significance. Last evaluated: 2018-08-24. Review status: criteria provided, single submitter. Criteria: Athena Diagnostics Criteria. Collection method: clinical testing. Allele origin: germline.

NM_014855.3(AP5Z1):c.1003C>G (p.Leu335Val)

Gene: AP5Z1 (adaptor related protein complex 5 subunit zeta 1; plus strand). Cytogenetic location: 7p22.1.
Variant type: single nucleotide variant.
Coding change: c.1003C>G on transcript NM_014855.3 (MANE Select); coding-DNA position 1003, C replaced by G.
Protein change: p.Leu335Val; replaces leucine 335 with valine.
Molecular consequence: missense variant. On other transcripts: non-coding transcript variant (1).
Genome position (GRCh38, 1-based): chr7:4,785,555, C>G. VCF-style: chr7-4785555-C-G. GRCh37 (hg19) VCF-style: chr7-4825186-C-G.
Other names: c.1003C>G, p.Leu335Val (LRG_1247t1); c.535C>G, p.Leu179Val (NM_001364858.1); short protein forms L335V, L179V.
Identifiers: ClinVar variation 240931 (VCV000240931.10), dbSNP rs199930373, ClinGen allele CA4137559.
Genomic context (GRCh38, chr7:4,785,555, plus strand): 5'-CCATTTGATGTGGTCCATGTCCCGCAGTGCCTGGTGGAGGCCGTGCTGGTGCTGGACGTG[C>G]TGTGCCGGCAGGACCCGTCCTTCCTGTACCGAAGTCTCTCCTGCCTGAAGGCCCTGCACG-3'
Protein context (NP_055670.1, residues 325-345): LVEAVLVLDV[Leu335Val]CRQDPSFLYR